The following is an entry in ClinVar:

NM_006231.4(POLE):c.2320-13A>T

Gene: POLE (DNA polymerase epsilon, catalytic subunit; minus strand). Cytogenetic location: 12q24.33.
Variant type: single nucleotide variant.
Coding change: c.2320-13A>T on transcript NM_006231.4 (MANE Select); 13 bases into the intron before coding-DNA position 2320, A replaced by T.
Molecular consequence: intron variant.
Genome position (GRCh38, 1-based): chr12:132,665,463, T>A on the plus strand (A>T on the coding strand, the complement: POLE is on the minus strand). VCF-style: chr12-132665463-T-A. GRCh37 (hg19) VCF-style: chr12-133242049-T-A.
Identifiers: ClinVar variation 2893196 (VCV002893196.3), dbSNP rs75329753, ClinGen allele CA2575359274.

ClinVar aggregate classification (germline): Uncertain significance (1 of 4 stars; one submission).

Submission:

Labcorp Genetics (formerly Invitae), Labcorp
Classification: Uncertain significance. Last evaluated: 2023-03-09. Review status: criteria provided, single submitter. Criteria: Invitae Variant Classification Sherloc (09022015). Collection method: clinical testing. Allele origin: germline.
Comment: In summary, the available evidence is currently insufficient to determine the role of this variant in disease. Therefore, it has been classified as a Variant of Uncertain Significance. Algorithms developed to predict the effect of sequence changes on RNA splicing suggest that this variant may disrupt the consensus splice site. This variant has not been reported in the literature in individuals affected with POLE-related conditions. This variant is not present in population databases (gnomAD no frequency). This sequence change falls in intron 20 of the POLE gene. It does not directly change the encoded amino acid sequence of the POLE protein.